The following is an entry in ClinVar:

ClinVar aggregate classification (germline): Likely benign (0 of 4 stars; one submission).

Conditions:
PEX1-related disorder. Also called: PEX1-related condition.

Allele frequency attached by ClinVar (database versions not stated): gnomAD exomes below 0.00001.
gnomAD v4.1: 1 of 1,611,550 alleles (0.000062%); highest among the groups gnomAD compares: Admixed American, 0.0017%; no homozygotes.

Submission:

PreventionGenetics, part of Exact Sciences
Classification: Likely benign for PEX1-related condition. Last evaluated: 2022-09-27. Review status: no assertion criteria provided. Collection method: clinical testing. Allele origin: germline.
Comment: This variant is classified as likely benign based on ACMG/AMP sequence variant interpretation guidelines (Richards et al. 2015 PMID: 25741868, with internal and published modifications).

NM_000466.3(PEX1):c.3675C>A (p.Thr1225=)

Genes: GATAD1 (GATA zinc finger domain containing 1; plus strand), PEX1 (peroxisomal biogenesis factor 1; minus strand). Cytogenetic location: 7q21.2.
Variant type: single nucleotide variant.
Coding change: c.3675C>A on transcript NM_000466.3 (MANE Select); coding-DNA position 3675, C replaced by A.
Protein change: p.Thr1225=; no amino-acid change (threonine 1225 retained).
Molecular consequence: synonymous variant.
Genome position (GRCh38, 1-based): chr7:92,489,385, G>T on the plus strand (C>A on the coding strand, the complement: PEX1 is on the minus strand). VCF-style: chr7-92489385-G-T. GRCh37 (hg19) VCF-style: chr7-92118699-G-T.
Other names: c.3504C>A, p.Thr1168= (NM_001282677.2); c.3051C>A, p.Thr1017= (NM_001282678.2).
Identifiers: ClinVar variation 3053501 (VCV003053501.2), dbSNP rs2484609956, ClinGen allele CA456479523.